The following is an entry in ClinVar:

ClinVar aggregate classification (germline): Likely benign (1 of 4 stars; one submission).

Conditions:
Familial cancer of breast. Also called: Hereditary breast cancer; BREAST CANCER, FAMILIAL; hereditary breast carcinoma. Identifiers: Orphanet 227535, MedGen C0346153, MONDO:0016419, OMIM 114480. Disease mechanism: loss of function.

gnomAD v4.1: 1 of 1,591,910 alleles (0.000063%); highest among the groups gnomAD compares: Non-Finnish European, 0.000086%; no homozygotes.

Submission:

Myriad Genetics, Inc.
Classification: Likely benign for Familial cancer of breast. Last evaluated: 2024-10-04. Review status: criteria provided, single submitter. Criteria: Myriad Autosomal Dominant, Autosomal Recessive and X-Linked Classification Criteria (2023). Collection method: clinical testing. Allele origin: unknown.
Comment: This variant is considered likely benign. This variant is intronic and is not expected to impact mRNA splicing.

NM_007194.4(CHEK2):c.1095+9T>C

Gene: CHEK2 (checkpoint kinase 2; minus strand). Cytogenetic location: 22q12.1.
Variant type: single nucleotide variant.
Coding change: c.1095+9T>C on transcript NM_007194.4 (MANE Select); 9 bases into the intron after coding-DNA position 1095, T replaced by C.
Molecular consequence: intron variant.
Genome position (GRCh38, 1-based): chr22:28,696,892, A>G on the plus strand (T>C on the coding strand, the complement: CHEK2 is on the minus strand). VCF-style: chr22-28696892-A-G. GRCh37 (hg19) VCF-style: chr22-29092880-A-G.
Other names: c.432+9T>C (NM_001437942.1, NM_001257387.3); c.894+9T>C (NM_001349956.3); c.1009-1019T>C (NM_145862.3); c.1102-1019T>C (NM_001438295.1); c.1188+9T>C (NM_001438293.1); c.1138-1019T>C (NM_001438294.1); c.1224+9T>C (NM_001005735.3).
Identifiers: ClinVar variation 3772889 (VCV003772889.1).
Genomic context (GRCh38, chr22:28,696,892, plus strand): 5'-TTTGAGGAATTAAAAGTTTCTGAACAAGAATCTACAGGAATAGCCACATACAGAATGCCA[A>G]TTTCTTACCTTTATAAGACAGTCCTCTTCTTGAGATGACAGTAAAACATTCTCTGGCTTT-3'